The following is an entry in ClinVar:

ClinVar aggregate classification (germline): Uncertain significance (1 of 4 stars; one submission).

Conditions:
Neuropathy, hereditary sensory and autonomic, type 2A (HSAN2A). Also called: ACROOSTEOLYSIS, GIACCAI TYPE; ACROOSTEOLYSIS, NEUROGENIC; MORVAN DISEASE; NEUROPATHY, CONGENITAL SENSORY; NEUROPATHY, HEREDITARY SENSORY RADICULAR, AUTOSOMAL RECESSIVE; NEUROPATHY, HEREDITARY SENSORY, TYPE IIA. Identifiers: Orphanet 970, MedGen C2752089, MONDO:0024309, OMIM 201300.
Pseudohypoaldosteronism type 2C (PHA2C). Also called: Pseudohypoaldosteronism Type IIC. Identifiers: Orphanet 757, Orphanet 88940, MedGen C1840391, MONDO:0013778, OMIM 614492.

Submission:

Labcorp Genetics (formerly Invitae), Labcorp
Classification: Uncertain significance for Neuropathy, hereditary sensory and autonomic, type 2A; Pseudohypoaldosteronism type 2C. Last evaluated: 2025-10-21. Review status: criteria provided, single submitter. Criteria: Invitae Variant Classification Sherloc (09022015). Collection method: clinical testing. Allele origin: germline.
Comment: This sequence change replaces threonine, which is neutral and polar, with arginine, which is basic and polar, at codon 1350 of the WNK1 protein (p.Thr1350Arg). This variant is not present in population databases (gnomAD no frequency). This variant has not been reported in the literature in individuals affected with WNK1-related conditions. Invitae Evidence Modeling of protein sequence and biophysical properties (such as structural, functional, and spatial information, amino acid conservation, physicochemical variation, residue mobility, and thermodynamic stability) indicates that this missense variant is not expected to disrupt WNK1 protein function with a negative predictive value of 95%. In summary, the available evidence is currently insufficient to determine the role of this variant in disease. Therefore, it has been classified as a Variant of Uncertain Significance.

NM_018979.4(WNK1):c.3293C>G (p.Thr1098Arg)

Gene: WNK1 (WNK lysine deficient protein kinase 1; plus strand). Cytogenetic location: 12p13.33.
Variant type: single nucleotide variant.
Coding change: c.3293C>G on transcript NM_018979.4 (MANE Select); coding-DNA position 3293, C replaced by G.
Protein change: p.Thr1098Arg; replaces threonine 1098 with arginine.
Molecular consequence: missense variant.
Genome position (GRCh38, 1-based): chr12:881,994, C>G. VCF-style: chr12-881994-C-G. GRCh37 (hg19) VCF-style: chr12-991160-C-G.
Other names: c.4049C>G, p.Thr1350Arg (NM_213655.5); c.2552C>G, p.Thr851Arg (NM_014823.3); c.4073C>G, p.Thr1358Arg (NM_001184985.2); short protein forms T1098R, T1350R, T1358R, T851R.
Identifiers: ClinVar variation 4793689 (VCV004793689.1).